The following is an entry in ClinVar:

NM_004341.5(CAD):c.6622_6638del (p.Glu2208fs)

Genes: CAD (carbamoyl-phosphate synthetase 2, aspartate transcarbamylase, and dihydroorotase; plus strand), LOC126806172 (CDK7 strongly-dependent group 2 enhancer GRCh37_chr2:27465505-27466704; plus strand). Cytogenetic location: 2p23.3.
Variant type: Deletion.
Coding change: c.6622_6638del on transcript NM_004341.5 (MANE Select); coding-DNA positions 6622 to 6638, 17 bases deleted (GAGAACGGCATGTACAT).
Protein change: p.Glu2208fs; shifts the reading frame from glutamic acid 2208.
Molecular consequence: frameshift variant.
Genome position (GRCh38, 1-based): chr2:27,243,462-27,243,478, GAGAACGGCATGTACAT deleted; deleting any 17 consecutive bases within chr2:27,243,461-27,243,478 gives the same sequence; the c. name uses the placement nearest the transcript's 3' end. VCF-style (leftmost placement, unchanged base first): chr2-27243460-CTGAGAACGGCATGTACA-C. GRCh37 (hg19) VCF-style: chr2-27466328-CTGAGAACGGCATGTACA-C.
Other names: c.6433_6449del, p.Glu2145fs (NM_001306079.2); short protein forms E2145fs, E2208fs.
Identifiers: ClinVar variation 4855832 (VCV004855832.1).

ClinVar aggregate classification (germline): Uncertain significance (1 of 4 stars; one submission).

Conditions:
Developmental and epileptic encephalopathy, 50 (DEE50). Also called: Epileptic encephalopathy, early infantile, 50. Identifiers: Orphanet 448010, MedGen C4225320, MONDO:0014647, OMIM 616457.

Submission:

3billion
Classification: Uncertain significance for Developmental and epileptic encephalopathy, 50. Last evaluated: 2025-09-01. Review status: criteria provided, single submitter. Criteria: ACMG Guidelines, 2015. Collection method: clinical testing. Allele origin: germline. Affected: yes.
Comment: The variant is not observed in the gnomAD v4.1.0 dataset. Predicted Consequence/Location: Frameshift: predicted to result in a loss or disruption of normal protein function through protein truncation. The predicted truncated protein may be shortened by less than 10%. Therefore, this variant is classified as VUS according to the recommendation of ACMG/AMP guideline.